The following is an entry in ClinVar:

NM_025074.7(FRAS1):c.8417C>T (p.Thr2806Met)

Gene: FRAS1 (Fraser extracellular matrix complex subunit 1; plus strand). Cytogenetic location: 4q21.21.
Variant type: single nucleotide variant.
Coding change: c.8417C>T on transcript NM_025074.7 (MANE Select); coding-DNA position 8417, C replaced by T.
Protein change: p.Thr2806Met; replaces threonine 2806 with methionine.
Molecular consequence: missense variant.
Genome position (GRCh38, 1-based): chr4:78,479,692, C>T. VCF-style: chr4-78479692-C-T. GRCh37 (hg19) VCF-style: chr4-79400846-C-T.
Other names: short protein forms T2806M.
Identifiers: ClinVar variation 349764 (VCV000349764.17), dbSNP rs114190041, ClinGen allele CA2978352.

ClinVar aggregate classification (germline): Benign. Review status: criteria provided, multiple submitters, no conflicts (2 of 4 stars). 5 submissions from 5 submitters: Benign (3). 2 of the submissions do not count toward it. Last evaluated 2026-01-31.

Conditions:
Fraser syndrome 1 (FRASRS1). Also called: CRYPTOPHTHALMOS WITH OTHER MALFORMATIONS. Identifiers: Orphanet 2052, MedGen C4551480, MONDO:0054737, OMIM 219000.

Allele frequency attached by ClinVar (database versions not stated): gnomAD exomes 0.00294; ExAC 0.00385; gnomAD 0.01153 and 0.01251; 1000 Genomes Project 0.01158; TOPMed 0.01323; ESP Exome Variant Server 0.01349.
gnomAD v4.1: 3,437 of 1,596,714 alleles (0.22%); highest among the groups gnomAD compares: African/African-American, 4.1%; 61 homozygotes.

Submissions (5):

Labcorp Genetics (formerly Invitae), Labcorp
Classification: Benign. Last evaluated: 2026-01-31. Review status: criteria provided, single submitter. Criteria: Invitae Variant Classification Sherloc (09022015). Collection method: clinical testing. Allele origin: germline.

Illumina Laboratory Services, Illumina
Classification: Benign for Fraser syndrome 1. Last evaluated: 2018-01-13. Review status: criteria provided, single submitter. Criteria: ICSL Variant Classification Criteria 13 December 2019. Collection method: clinical testing. Allele origin: germline.
Comment: This variant was observed in the ICSL laboratory as part of a predisposition screen in an ostensibly healthy population. It had not been previously curated by ICSL or reported in the Human Gene Mutation Database (HGMD: prior to June 1st, 2018), and was therefore a candidate for classification through an automated scoring system. Utilizing variant allele frequency, disease prevalence and penetrance estimates, and inheritance mode, an automated score was calculated to assess if this variant is too frequent to cause the disease. Based on the score and internal cut-off values, a variant classified as benign is not then subjected to further curation. The score for this variant resulted in a classification of benign for this disease.

Breakthrough Genomics
Classification: Benign. Review status: criteria provided, single submitter. Criteria: ACMG Guidelines, 2015. Collection method: not provided. Allele origin: germline. Inheritance: Autosomal recessive inheritance. Affected: yes.

Genome Diagnostics Laboratory, University Medical Center Utrecht
Classification: Likely benign. Review status: no assertion criteria provided. Collection method: clinical testing. Allele origin: germline. Affected: yes. Study: VKGL Data-share Consensus. Not counted in ClinVar's aggregate classification.

Laboratory of Diagnostic Genome Analysis, Leiden University Medical Center (LUMC)
Classification: Likely benign. Review status: no assertion criteria provided. Collection method: clinical testing. Allele origin: germline. Affected: yes. Study: VKGL Data-share Consensus. Not counted in ClinVar's aggregate classification.